The following is an entry in ClinVar:

NM_002834.5(PTPN11):c.1012G>C (p.Val338Leu)

Gene: PTPN11 (protein tyrosine phosphatase non-receptor type 11; plus strand). Cytogenetic location: 12q24.13.
Variant type: single nucleotide variant.
Coding change: c.1012G>C on transcript NM_002834.5 (MANE Select); coding-DNA position 1012, G replaced by C.
Protein change: p.Val338Leu; replaces valine 338 with leucine.
Molecular consequence: missense variant.
Genome position (GRCh38, 1-based): chr12:112,477,935, G>C. VCF-style: chr12-112477935-G-C. GRCh37 (hg19) VCF-style: chr12-112915739-G-C.
Other names: c.1012G>C, p.Val338Leu (NM_001330437.2, NM_080601.3); c.1009G>C, p.Val337Leu (NM_001374625.1); short protein forms V338L, V337L.
Identifiers: ClinVar variation 4614783 (VCV004614783.1).
Genomic context (GRCh38, chr12:112,477,935, plus strand): 5'-TGCAACAATTCAAAGCCCAAAAAGAGTTACATTGCCACACAAGGCTGCCTGCAAAACACG[G>C]TGAATGACTTTTGGCGGATGGTGTTCCAAGAAAACTCCCGAGTGATTGTCATGACAACGA-3'
Protein context (NP_002825.3, residues 328-348): IATQGCLQNT[Val338Leu]NDFWRMVFQE

ClinVar aggregate classification (germline): Uncertain significance (1 of 4 stars; one submission).

Conditions:
Cardiovascular phenotype. Identifiers: MedGen CN230736.

Submission:

Ambry Genetics
Classification: Uncertain significance for Cardiovascular phenotype. Last evaluated: 2025-11-24. Review status: criteria provided, single submitter. Criteria: Ambry Variant Classification Scheme 2023. Collection method: clinical testing. Allele origin: germline.
Comment: The p.V338L variant (also known as c.1012G>C), located in coding exon 9 of the PTPN11 gene, results from a G to C substitution at nucleotide position 1012. The valine at codon 338 is replaced by leucine, an amino acid with highly similar properties. This amino acid position is conserved. In addition, the in silico prediction for this alteration is inconclusive. Based on the available evidence, the clinical significance of this variant remains unclear.